The following is an entry in ClinVar:

NM_001318510.2(ACSL4):c.812A>G (p.Lys271Arg)

Gene: ACSL4 (acyl-CoA synthetase long chain family member 4; minus strand). Cytogenetic location: Xq23.
Variant type: single nucleotide variant.
Coding change: c.812A>G on transcript NM_001318510.2 (MANE Select); coding-DNA position 812, A replaced by G.
Protein change: p.Lys271Arg; replaces lysine 271 with arginine.
Molecular consequence: missense variant.
Genome position (GRCh38, 1-based): chrX:109,678,106, T>C on the plus strand (A>G on the coding strand, the complement: ACSL4 is on the minus strand). VCF-style: chrX-109678106-T-C. GRCh37 (hg19) VCF-style: chrX-108921335-T-C.
Other names: c.935A>G, p.Lys312Arg (NM_001318509.2, NM_022977.3); c.812A>G, p.Lys271Arg (NM_004458.3); short protein forms K271R, K312R.
Identifiers: ClinVar variation 1314174 (VCV001314174.3), dbSNP rs756162517, ClinGen allele CA10491107.

ClinVar aggregate classification (germline): Uncertain significance. Review status: criteria provided, multiple submitters, no conflicts (2 of 4 stars). 2 submissions from 2 submitters: Uncertain significance (2). Last evaluated 2022-02-22.

Conditions:
Intellectual developmental disorder, X-linked 63. Also called: Intellectual disability, X-linked 63; MENTAL RETARDATION, X-LINKED 68. Identifiers: Orphanet 777, MedGen C1845672, MONDO:0010313, OMIM 300387.

Allele frequency attached by ClinVar (database versions not stated): gnomAD exomes below 0.00001 and 0.00001; ExAC 0.00001.
gnomAD v4.1: 3 of 1,211,902 alleles (0.00025%); highest among the groups gnomAD compares: African/African-American, 0.0017%; no homozygotes.

Submissions (2):

MVZ Martinsried, Medicover Genetics
Classification: Uncertain significance for Intellectual developmental disorder, X-linked 63. Last evaluated: 2022-02-22. Review status: criteria provided, single submitter. Criteria: ACGS Guidelines, 2020. Collection method: clinical testing. Allele origin: inherited. Affected: yes.

GeneDx
Classification: Uncertain significance. Last evaluated: 2021-03-29. Review status: criteria provided, single submitter. Criteria: GeneDx Variant Classification Process June 2021. Collection method: clinical testing. Allele origin: germline. Affected: yes.
Comment: In silico analysis supports that this missense variant does not alter protein structure/function; Has not been previously published as pathogenic or benign to our knowledge